The following is an entry in ClinVar:

ClinVar aggregate classification (germline): Uncertain significance (1 of 4 stars; one submission).

Conditions:
FGFR1-related disorder. Also called: FGFR1-related disorders; FGFR1-related condition. Identifiers: MedGen CN380097.

gnomAD v4.1: 2 of 1,610,082 alleles (0.00012%); highest among the groups gnomAD compares: Non-Finnish European, 0.00017%; no homozygotes.

Submission:

PreventionGenetics, part of Exact Sciences
Classification: Uncertain significance for FGFR1-related condition. Last evaluated: 2025-11-03. Review status: criteria provided, single submitter. Criteria: ACMG Guidelines, 2015. Collection method: clinical testing. Allele origin: germline.
Comment: The FGFR1 c.747G>C variant is predicted to result in the amino acid substitution p.Glu249Asp. To our knowledge, this variant has not been reported in the literature. This variant is reported in 0.0065% of alleles in individuals of European (Non-Finnish) descent in gnomAD. At this time, the clinical significance of this variant is uncertain due to the absence of conclusive functional and genetic evidence.

NM_023110.3(FGFR1):c.747G>C (p.Glu249Asp)

Gene: FGFR1 (fibroblast growth factor receptor 1; minus strand). Cytogenetic location: 8p11.23.
Variant type: single nucleotide variant.
Coding change: c.747G>C on transcript NM_023110.3 (MANE Select); coding-DNA position 747, G replaced by C.
Protein change: p.Glu249Asp; replaces glutamic acid 249 with aspartic acid.
Molecular consequence: missense variant.
Genome position (GRCh38, 1-based): chr8:38,424,698, C>G on the plus strand (G>C on the coding strand, the complement: FGFR1 is on the minus strand). VCF-style: chr8-38424698-C-G. GRCh37 (hg19) VCF-style: chr8-38282216-C-G.
Other names: c.747G>C, p.Glu249Asp (NM_001174063.2); c.723G>C, p.Glu241Asp (NM_001174064.2); c.741G>C, p.Glu247Asp (NM_001174065.2, NM_001354367.2, NM_001354369.2 and 2 more transcripts); c.480G>C, p.Glu160Asp (NM_001174066.2, NM_023105.3); c.840G>C, p.Glu280Asp (NM_001174067.2); c.474G>C, p.Glu158Asp (NM_001354368.2, NM_001354370.2, NM_023106.3); short protein forms E160D, E249D, E158D, E241D, E280D, E247D.
Identifiers: ClinVar variation 4996465 (VCV004996465.1).